The following is an entry in ClinVar:

NM_000426.4(LAMA2):c.4990A>T (p.Thr1664Ser)

Gene: LAMA2 (laminin subunit alpha 2; plus strand). Cytogenetic location: 6q22.33.
Variant type: single nucleotide variant.
Coding change: c.4990A>T on transcript NM_000426.4 (MANE Select); coding-DNA position 4990, A replaced by T.
Protein change: p.Thr1664Ser; replaces threonine 1664 with serine.
Molecular consequence: missense variant.
Genome position (GRCh38, 1-based): chr6:129,383,152, A>T. VCF-style: chr6-129383152-A-T. GRCh37 (hg19) VCF-style: chr6-129704297-A-T.
Other names: c.4990A>T, p.Thr1664Ser (NM_001079823.2); short protein forms T1664S.
Identifiers: ClinVar variation 3900866 (VCV003900866.1).

ClinVar aggregate classification (germline): Uncertain significance (1 of 4 stars; one submission).

gnomAD v4.1: 1 of 1,613,900 alleles (0.000062%); highest among the groups gnomAD compares: Non-Finnish European, 0.000085%; no homozygotes.

Submission:

GeneDx
Classification: Uncertain significance. Last evaluated: 2024-12-02. Review status: criteria provided, single submitter. Criteria: GeneDx Variant Classification Process June 2021. Collection method: clinical testing. Allele origin: germline. Affected: yes.
Comment: Not observed at significant frequency in large population cohorts (gnomAD); In silico analysis indicates that this missense variant does not alter protein structure/function; Has not been previously published as pathogenic or benign to our knowledge